The following is an entry in ClinVar:

NM_002890.3(RASA1):c.1984_1988del (p.Thr662fs)

Genes: CCNH (cyclin H; minus strand), RASA1 (RAS p21 protein activator 1; plus strand). Cytogenetic location: 5q14.3.
Variant type: Deletion.
Coding change: c.1984_1988del on transcript NM_002890.3 (MANE Select); coding-DNA positions 1984 to 1988, 5 bases deleted (ACAAA; older notation c.1984_1988delACAAA).
Protein change: p.Thr662fs; shifts the reading frame from threonine 662.
Molecular consequence: frameshift variant. On other transcripts: intron variant (1).
Genome position (GRCh38, 1-based): chr5:87,374,889-87,374,893, ACAAA deleted; deleting any 5 consecutive bases within chr5:87,374,886-87,374,893 gives the same sequence; the c. name uses the placement nearest the transcript's 3' end. VCF-style (leftmost placement, unchanged base first): chr5-87374885-TAAAAC-T. GRCh37 (hg19) VCF-style: chr5-86670702-TAAAAC-T.
Other names: c.1453_1457del, p.Thr485fs (NM_022650.3); c.933+20154_933+20158del (NM_001364075.2); c.1984_1988del5 (NM_002890.2); short protein forms T485fs, T662fs.
Identifiers: ClinVar variation 1357848 (VCV001357848.12), dbSNP rs2112486996, ClinGen allele CA2573140086.

ClinVar aggregate classification (germline): Pathogenic. Review status: criteria provided, multiple submitters, no conflicts (2 of 4 stars). 3 submissions from 3 submitters: Pathogenic (3). Last evaluated 2026-02-09.

Conditions:
Capillary malformation-arteriovenous malformation syndrome. Also called: Capillary malformation-arteriovenous malformation. Identifiers: Orphanet 137667, MedGen C1842180, MONDO:0012016.
RASA1-related disorder. Also called: RASA1-related condition.

Submissions (3):

GeneDx
Classification: Pathogenic. Last evaluated: 2026-02-09. Review status: criteria provided, single submitter. Criteria: GeneDx Variant Classification Process June 2021. Collection method: clinical testing. Allele origin: germline.
Comment: Identified in unrelated individuals with RASA1-related clinical features referred for genetic testing at GeneDx and in published literature (PMID: 29891884); Frameshift variant predicted to result in protein truncation or nonsense mediated decay in a gene for which loss of function is a known mechanism of disease; Not observed at significant frequency in large population cohorts (gnomAD); This variant is associated with the following publications: (PMID: 29891884)

PreventionGenetics, part of Exact Sciences
Classification: Pathogenic for RASA1-related condition. Last evaluated: 2025-11-18. Review status: criteria provided, single submitter. Criteria: ACMG Guidelines, 2015. Collection method: clinical testing. Allele origin: germline.
Comment: The RASA1 c.1984_1988del5 variant is predicted to result in a frameshift and premature protein termination (p.Thr662Glufs*6). This variant has been reported in an individual with capillary malformation-arteriovenous malformation (CM-AVM) (Wooderchak-Donahue et al. 2018. PubMed ID: 29891884). This variant has not been reported in a large population database (gnomAD), indicating this variant is rare. This variant is interpreted as pathogenic in ClinVar (Variation ID: 1357848). Frameshift variants in RASA1 are expected to be pathogenic. This variant is interpreted as pathogenic.

Labcorp Genetics (formerly Invitae), Labcorp
Classification: Pathogenic for Capillary malformation-arteriovenous malformation syndrome. Last evaluated: 2022-01-17. Review status: criteria provided, single submitter. Criteria: Invitae Variant Classification Sherloc (09022015). Collection method: clinical testing. Allele origin: germline.
Comment: For these reasons, this variant has been classified as Pathogenic. This premature translational stop signal has been observed in individual(s) with RASA1-related conditions (PMID: 29891884). This variant is not present in population databases (gnomAD no frequency). This sequence change creates a premature translational stop signal (p.Thr662Glufs*6) in the RASA1 gene. It is expected to result in an absent or disrupted protein product. Loss-of-function variants in RASA1 are known to be pathogenic (PMID: 24038909).

Literature cited by the submitters: PubMed 29891884 (cited by Labcorp Genetics (formerly Invitae), Labcorp); PubMed 24038909 (cited by Labcorp Genetics (formerly Invitae), Labcorp).